The following is an entry in ClinVar:

ClinVar aggregate classification (germline): Uncertain significance (1 of 4 stars; one submission).

Conditions:
Developmental and epileptic encephalopathy, 1 (DEE1). Also called: X-linked infantile spasms; West's syndrome; Tonic spasms with clustering, arrest of psychomotor development and hypsarrhythmia on EEG; X-Linked Infantile Spasm Syndrome; OHTAHARA SYNDROME, X-LINKED; INFANTILE SPASM SYNDROME, X-LINKED 1. Identifiers: MedGen C3463992, MONDO:0010632, OMIM 308350. Disease mechanism: loss of function.
Intellectual disability, X-linked, with or without seizures, ARX-related. Also called: MENTAL RETARDATION, X-LINKED 29; MENTAL RETARDATION, X-LINKED 32; MENTAL RETARDATION, X-LINKED 33; MENTAL RETARDATION, X-LINKED 38; MENTAL RETARDATION, X-LINKED 43; MENTAL RETARDATION, X-LINKED 76. Identifiers: Orphanet 777, MedGen C0796244, MONDO:0010317, OMIM 300419.

Submission:

Labcorp Genetics (formerly Invitae), Labcorp
Classification: Uncertain significance for Developmental and epileptic encephalopathy, 1; Intellectual disability, X-linked, with or without seizures, ARX-related. Last evaluated: 2025-10-29. Review status: criteria provided, single submitter. Criteria: Invitae Variant Classification Sherloc (09022015). Collection method: clinical testing. Allele origin: germline.
Comment: This sequence change replaces serine, which is neutral and polar, with arginine, which is basic and polar, at codon 71 of the ARX protein (p.Ser71Arg). The frequency data for this variant in the population databases is considered unreliable, as metrics indicate insufficient coverage at this position in the gnomAD database. This variant has not been reported in the literature in individuals affected with ARX-related conditions. ClinVar contains an entry for this variant (Variation ID: 2048791). Invitae Evidence Modeling of protein sequence and biophysical properties (such as structural, functional, and spatial information, amino acid conservation, physicochemical variation, residue mobility, and thermodynamic stability) indicates that this missense variant is not expected to disrupt ARX protein function with a negative predictive value of 95%. In summary, the available evidence is currently insufficient to determine the role of this variant in disease. Therefore, it has been classified as a Variant of Uncertain Significance.

NM_139058.3(ARX):c.213C>A (p.Ser71Arg)

Gene: ARX (aristaless related homeobox; minus strand). Cytogenetic location: Xp21.3.
Variant type: single nucleotide variant.
Coding change: c.213C>A on transcript NM_139058.3 (MANE Select); coding-DNA position 213, C replaced by A.
Protein change: p.Ser71Arg; replaces serine 71 with arginine.
Molecular consequence: missense variant.
Genome position (GRCh38, 1-based): chrX:25,013,782, G>T on the plus strand (C>A on the coding strand, the complement: ARX is on the minus strand). VCF-style: chrX-25013782-G-T. GRCh37 (hg19) VCF-style: chrX-25031899-G-T.
Other names: short protein forms S71R.
Identifiers: ClinVar variation 2048791 (VCV002048791.4), dbSNP rs2519107928, ClinGen allele CA412613642.